The following is an entry in ClinVar:

NM_001123396.4(CCR2):c.475G>T (p.Val159Leu)

Gene: CCR2 (C-C motif chemokine receptor 2; plus strand). Cytogenetic location: 3p21.31.
Variant type: single nucleotide variant.
Coding change: c.475G>T on transcript NM_001123396.4 (MANE Select); coding-DNA position 475, G replaced by T.
Protein change: p.Val159Leu; replaces valine 159 with leucine.
Molecular consequence: missense variant.
Genome position (GRCh38, 1-based): chr3:46,358,002, G>T. VCF-style: chr3-46358002-G-T. GRCh37 (hg19) VCF-style: chr3-46399493-G-T.
Other names: c.475G>T, p.Val159Leu (NM_001123041.3); short protein forms V159L.
Identifiers: ClinVar variation 4690280 (VCV004690280.1).

ClinVar aggregate classification (germline): Likely benign (1 of 4 stars; one submission).

Conditions:
Cystic disease of lung (PCLUD). Identifiers: MedGen C1384901, MONDO:0009060, OMIM 219600.

gnomAD v4.1: 43 of 1,614,216 alleles (0.0027%); highest among the groups gnomAD compares: South Asian, 0.046%; no homozygotes.

Submission:

Centre for Medical Genetics,  Mumbai
Classification: Likely benign for Cystic disease of lung. Last evaluated: 2026-02-03. Review status: criteria provided, single submitter. Criteria: ACMG Guidelines, 2015. Collection method: provider interpretation. Allele origin: germline. Inheritance: Autosomal recessive inheritance. Affected: no. Observed: 1 homozygote.
Comment: The variant satisfies PM2 criteria; Extremely low frequency in gnomAD population databases. The variant satisfies BP4 criteria; For a missense or a splice region variant, computational prediction tools unanimously support a benign effect on the gene. However, the variant satisfies BS2 criteria.

Literature cited by the submitters: PubMed 38157855.